The following is an entry in ClinVar:

ClinVar aggregate classification (germline): Uncertain significance (1 of 4 stars; one submission).

Conditions:
Charcot-Marie-Tooth disease axonal type 2Z. Also called: CHARCOT-MARIE-TOOTH DISEASE, AXONAL, AUTOSOMAL DOMINANT, TYPE 2Z; CHARCOT-MARIE-TOOTH NEUROPATHY, TYPE 2Z. Identifiers: Orphanet 466768, MedGen C5569025, MONDO:0014736, OMIM 616688.

Submission:

Labcorp Genetics (formerly Invitae), Labcorp
Classification: Uncertain significance for Charcot-Marie-Tooth disease axonal type 2Z. Last evaluated: 2024-09-18. Review status: criteria provided, single submitter. Criteria: Invitae Variant Classification Sherloc (09022015). Collection method: clinical testing. Allele origin: germline.
Comment: This sequence change replaces histidine, which is basic and polar, with glutamine, which is neutral and polar, at codon 905 of the MORC2 protein (p.His905Gln). This variant is not present in population databases (gnomAD no frequency). This variant has not been reported in the literature in individuals affected with MORC2-related conditions. Invitae Evidence Modeling of protein sequence and biophysical properties (such as structural, functional, and spatial information, amino acid conservation, physicochemical variation, residue mobility, and thermodynamic stability) indicates that this missense variant is not expected to disrupt MORC2 protein function with a negative predictive value of 95%. In summary, the available evidence is currently insufficient to determine the role of this variant in disease. Therefore, it has been classified as a Variant of Uncertain Significance.

NM_001303256.3(MORC2):c.2715C>A (p.His905Gln)

Gene: MORC2 (MORC family CW-type zinc finger 2; minus strand). Cytogenetic location: 22q12.2.
Variant type: single nucleotide variant.
Coding change: c.2715C>A on transcript NM_001303256.3 (MANE Select); coding-DNA position 2715, C replaced by A.
Protein change: p.His905Gln; replaces histidine 905 with glutamine.
Molecular consequence: missense variant.
Genome position (GRCh38, 1-based): chr22:30,932,577, G>T on the plus strand (C>A on the coding strand, the complement: MORC2 is on the minus strand). VCF-style: chr22-30932577-G-T. GRCh37 (hg19) VCF-style: chr22-31328564-G-T.
Other names: c.2715C>A, p.His905Gln (NM_001303257.2); c.2529C>A, p.His843Gln (NM_014941.3); short protein forms H905Q, H843Q.
Identifiers: ClinVar variation 3691957 (VCV003691957.2).